The following is an entry in ClinVar:

ClinVar aggregate classification (germline): Uncertain significance. Review status: criteria provided, multiple submitters, no conflicts (2 of 4 stars). 2 submissions from 2 submitters: Uncertain significance (2). Last evaluated 2024-12-10.

Conditions:
Inborn genetic diseases. Identifiers: MedGen C0950123, MeSH D030342.
Symmetrical dyschromatosis of extremities (DSH). Also called: DYSCHROMATOSIS SYMMETRICA HEREDITARIA 1; RETICULATE ACROPIGMENTATION OF DOHI; SYMMETRIC DYSCHROMATOSIS OF THE EXTREMITIES; Dyschromatosis symmetrica hereditaria. Identifiers: Orphanet 41, MedGen C0406775, MONDO:0007483, OMIM 127400.
Aicardi-Goutieres syndrome 6 (AGS6). Identifiers: Orphanet 51, MedGen C3539013, MONDO:0014007, OMIM 615010.

Allele frequency attached by ClinVar (database versions not stated): ExAC 0.00002; ESP Exome Variant Server 0.00008.
gnomAD v4.1: 12 of 1,614,118 alleles (0.00074%); highest among the groups gnomAD compares: Admixed American, 0.0017%; no homozygotes.

Submissions (2):

Labcorp Genetics (formerly Invitae), Labcorp
Classification: Uncertain significance for Aicardi-Goutieres syndrome 6; Symmetrical dyschromatosis of extremities. Last evaluated: 2024-12-10. Review status: criteria provided, single submitter. Criteria: Invitae Variant Classification Sherloc (09022015). Collection method: clinical testing. Allele origin: germline.
Comment: This sequence change replaces arginine, which is basic and polar, with histidine, which is basic and polar, at codon 790 of the ADAR protein (p.Arg790His). This variant is present in population databases (rs148307745, gnomAD 0.0009%). This variant has not been reported in the literature in individuals affected with ADAR-related conditions. ClinVar contains an entry for this variant (Variation ID: 2546885). Invitae Evidence Modeling of protein sequence and biophysical properties (such as structural, functional, and spatial information, amino acid conservation, physicochemical variation, residue mobility, and thermodynamic stability) indicates that this missense variant is expected to disrupt ADAR protein function with a positive predictive value of 80%. In summary, the available evidence is currently insufficient to determine the role of this variant in disease. Therefore, it has been classified as a Variant of Uncertain Significance.

Ambry Genetics
Classification: Uncertain significance for Inborn genetic diseases. Last evaluated: 2023-05-17. Review status: criteria provided, single submitter. Criteria: Ambry Variant Classification Scheme 2023. Collection method: clinical testing. Allele origin: germline.

NM_001111.5(ADAR):c.2369G>A (p.Arg790His)

Gene: ADAR (adenosine deaminase RNA specific; minus strand). Cytogenetic location: 1q21.3.
Variant type: single nucleotide variant.
Coding change: c.2369G>A on transcript NM_001111.5 (MANE Select); coding-DNA position 2369, G replaced by A.
Protein change: p.Arg790His; replaces arginine 790 with histidine.
Molecular consequence: missense variant.
Genome position (GRCh38, 1-based): chr1:154,590,311, C>T on the plus strand (G>A on the coding strand, the complement: ADAR is on the minus strand). VCF-style: chr1-154590311-C-T. GRCh37 (hg19) VCF-style: chr1-154562787-C-T.
Other names: c.2312G>A, p.Arg771His (NM_015841.4); c.1484G>A, p.Arg495His (NM_001025107.3, NM_001193495.2, NM_001365046.1 and 3 more transcripts); c.2396G>A, p.Arg799His (NM_001365045.1); c.2369G>A, p.Arg790His (NM_015840.4); short protein forms R495H, R799H, R771H, R790H.
Identifiers: ClinVar variation 2546885 (VCV002546885.4), dbSNP rs148307745, ClinGen allele CA1131307.